The following is an entry in ClinVar:

NM_000138.5(FBN1):c.6244G>T (p.Glu2082Ter)

Gene: FBN1 (fibrillin 1; minus strand). Cytogenetic location: 15q21.1.
Variant type: single nucleotide variant.
Coding change: c.6244G>T on transcript NM_000138.5 (MANE Select); coding-DNA position 6244, G replaced by T.
Protein change: p.Glu2082Ter; replaces glutamic acid 2082 with a stop codon.
Molecular consequence: nonsense.
Genome position (GRCh38, 1-based): chr15:48,437,837, C>A on the plus strand (G>T on the coding strand, the complement: FBN1 is on the minus strand). VCF-style: chr15-48437837-C-A. GRCh37 (hg19) VCF-style: chr15-48730034-C-A.
Other names: short protein forms E2082*.
Identifiers: ClinVar variation 547337 (VCV000547337.8), dbSNP rs1052480459, ClinGen allele CA392337041.

ClinVar aggregate classification (germline): Pathogenic/Likely pathogenic. Review status: criteria provided, multiple submitters, no conflicts (2 of 4 stars). 3 submissions from 3 submitters: Pathogenic (2); Likely pathogenic (1). Last evaluated 2022-07-19.

Conditions:
Familial thoracic aortic aneurysm and aortic dissection (TAAD). Also called: Thoracic aortic aneurysms and dissections. Identifiers: Orphanet 91387, MedGen C4707243, MONDO:0019625.
Marfan syndrome (MFS). Also called: Marfan syndrome type 1; Marfan syndrome, classic; Marfan's syndrome; FBN1-Related Marfan Syndrome; MARFAN SYNDROME, TYPE I. Identifiers: Orphanet 284963, Orphanet 558, MedGen C0024796, MONDO:0007947, OMIM 154700.

Submissions (3):

Labcorp Genetics (formerly Invitae), Labcorp
Classification: Pathogenic for Marfan syndrome; Familial thoracic aortic aneurysm and aortic dissection. Last evaluated: 2022-07-19. Review status: criteria provided, single submitter. Criteria: Invitae Variant Classification Sherloc (09022015). Collection method: clinical testing. Allele origin: germline.
Comment: This sequence change creates a premature translational stop signal (p.Glu2082*) in the FBN1 gene. It is expected to result in an absent or disrupted protein product. Loss-of-function variants in FBN1 are known to be pathogenic (PMID: 17657824, 19293843). For these reasons, this variant has been classified as Pathogenic. ClinVar contains an entry for this variant (Variation ID: 547337). This variant has not been reported in the literature in individuals affected with FBN1-related conditions. This variant is not present in population databases (gnomAD no frequency).

GeneDx
Classification: Pathogenic. Last evaluated: 2022-03-29. Review status: criteria provided, single submitter. Criteria: GeneDx Variant Classification Process June 2021. Collection method: clinical testing. Allele origin: germline. Affected: yes.
Comment: Has not been previously published as pathogenic or benign to our knowledge; Not observed at significant frequency in large population cohorts (gnomAD); Nonsense variant predicted to result in protein truncation or nonsense mediated decay in a gene for which loss of function is a known mechanism of disease

Center for Human Genetics, Inc
Classification: Likely pathogenic for Marfan syndrome. Last evaluated: 2016-11-01. Review status: criteria provided, single submitter. Criteria: ACMG Guidelines, 2015. Collection method: clinical testing. Allele origin: germline. Affected: yes.

Literature cited by the submitters: PubMed 17657824 (cited by Labcorp Genetics (formerly Invitae), Labcorp); PubMed 19293843 (cited by Labcorp Genetics (formerly Invitae), Labcorp).